The following is an entry in ClinVar:

NM_015178.3(RHOBTB2):c.242G>A (p.Arg81His)

Gene: RHOBTB2 (Rho related BTB domain containing 2; plus strand). Cytogenetic location: 8p21.3.
Variant type: single nucleotide variant.
Coding change: c.242G>A on transcript NM_015178.3 (MANE Select); coding-DNA position 242, G replaced by A.
Protein change: p.Arg81His; replaces arginine 81 with histidine.
Molecular consequence: missense variant.
Genome position (GRCh38, 1-based): chr8:23,005,421, G>A. VCF-style: chr8-23005421-G-A. GRCh37 (hg19) VCF-style: chr8-22862934-G-A.
Other names: c.308G>A, p.Arg103His (NM_001160036.2); c.263G>A, p.Arg88His (NM_001160037.2); c.242G>A, p.Arg81His (NM_001374791.1); c.308G>A (NM_001160036.1); short protein forms R103H, R88H, R81H.
Identifiers: ClinVar variation 1364977 (VCV001364977.7), dbSNP rs1290723284, ClinGen allele CA370560433.

ClinVar aggregate classification (germline): Uncertain significance. Review status: criteria provided, multiple submitters, no conflicts (2 of 4 stars). 2 submissions from 2 submitters: Uncertain significance (2). Last evaluated 2024-12-14.

Conditions:
Inborn genetic diseases. Identifiers: MedGen C0950123, MeSH D030342.

Allele frequency attached by ClinVar (database versions not stated): gnomAD exomes below 0.00001 and 0.00001; TOPMed below 0.00001.
gnomAD v4.1: 14 of 1,614,018 alleles (0.00087%); highest among the groups gnomAD compares: Admixed American, 0.0017%; no homozygotes.

Submissions (2):

Ambry Genetics
Classification: Uncertain significance for Inborn genetic diseases. Last evaluated: 2024-12-14. Review status: criteria provided, single submitter. Criteria: Ambry Variant Classification Scheme 2023. Collection method: clinical testing. Allele origin: germline.

Labcorp Genetics (formerly Invitae), Labcorp
Classification: Uncertain significance. Last evaluated: 2024-02-26. Review status: criteria provided, single submitter. Criteria: Invitae Variant Classification Sherloc (09022015). Collection method: clinical testing. Allele origin: germline.
Comment: This sequence change replaces arginine, which is basic and polar, with histidine, which is basic and polar, at codon 103 of the RHOBTB2 protein (p.Arg103His). This variant is present in population databases (no rsID available, gnomAD 0.003%). This variant has not been reported in the literature in individuals affected with RHOBTB2-related conditions. ClinVar contains an entry for this variant (Variation ID: 1364977). Advanced modeling of protein sequence and biophysical properties (such as structural, functional, and spatial information, amino acid conservation, physicochemical variation, residue mobility, and thermodynamic stability) has been performed at Invitae for this missense variant, however the output from this modeling did not meet the statistical confidence thresholds required to predict the impact of this variant on RHOBTB2 protein function. In summary, the available evidence is currently insufficient to determine the role of this variant in disease. Therefore, it has been classified as a Variant of Uncertain Significance.